The following is an entry in ClinVar:

NM_015450.3(POT1):c.1031A>G (p.Glu344Gly)

Gene: POT1 (protection of telomeres 1; minus strand). Cytogenetic location: 7q31.33.
Variant type: single nucleotide variant.
Coding change: c.1031A>G on transcript NM_015450.3 (MANE Select); coding-DNA position 1031, A replaced by G.
Protein change: p.Glu344Gly; replaces glutamic acid 344 with glycine.
Molecular consequence: missense variant. On other transcripts: non-coding transcript variant (3).
Genome position (GRCh38, 1-based): chr7:124,842,939, T>C on the plus strand (A>G on the coding strand, the complement: POT1 is on the minus strand). VCF-style: chr7-124842939-T-C. GRCh37 (hg19) VCF-style: chr7-124482993-T-C.
Other names: c.638A>G, p.Glu213Gly (NM_001042594.2); short protein forms E213G, E344G.
Identifiers: ClinVar variation 1409592 (VCV001409592.8), dbSNP rs2116468256, ClinGen allele CA369068578.

ClinVar aggregate classification (germline): Uncertain significance (1 of 4 stars; one submission).

Conditions:
Tumor predisposition syndrome 3 (TPDS3). Also called: Melanoma, cutaneous malignant, susceptibility to, 10; Glioma susceptibility 9; LONG TELOMERE SYNDROME, POT1-RELATED; POT1 Tumor Predisposition. Identifiers: Orphanet 618, MedGen C4014476, MONDO:0014368, OMIM 615848.

Submission:

Labcorp Genetics (formerly Invitae), Labcorp
Classification: Uncertain significance for Tumor predisposition syndrome 3. Last evaluated: 2021-04-06. Review status: criteria provided, single submitter. Criteria: Invitae Variant Classification Sherloc (09022015). Collection method: clinical testing. Allele origin: germline.
Comment: In summary, the available evidence is currently insufficient to determine the role of this variant in disease. Therefore, it has been classified as a Variant of Uncertain Significance. Algorithms developed to predict the effect of missense changes on protein structure and function (SIFT, PolyPhen-2, Align-GVGD) all suggest that this variant is likely to be tolerated, but these predictions have not been confirmed by published functional studies and their clinical significance is uncertain. This variant has not been reported in the literature in individuals with POT1-related conditions. This variant is not present in population databases (ExAC no frequency). This sequence change replaces glutamic acid with glycine at codon 344 of the POT1 protein (p.Glu344Gly). The glutamic acid residue is moderately conserved and there is a moderate physicochemical difference between glutamic acid and glycine.